The following is an entry in ClinVar:

NM_000212.3(ITGB3):c.1288C>T (p.Arg430Ter)

Gene: ITGB3 (integrin subunit beta 3; plus strand). Cytogenetic location: 17q21.32.
Variant type: single nucleotide variant.
Coding change: c.1288C>T on transcript NM_000212.3 (MANE Select); coding-DNA position 1288, C replaced by T.
Protein change: p.Arg430Ter; replaces arginine 430 with a stop codon.
Molecular consequence: nonsense.
Genome position (GRCh38, 1-based): chr17:47,292,166, C>T. VCF-style: chr17-47292166-C-T. GRCh37 (hg19) VCF-style: chr17-45369532-C-T.
Other names: NM_000212.3:c.1288C>T; short protein forms R430*.
Identifiers: ClinVar variation 1330314 (VCV001330314.1), dbSNP rs1458116788, ClinGen allele CA400028591.

ClinVar aggregate classification (germline): Pathogenic (3 of 4 stars; one submission).

Conditions:
Glanzmann thrombasthenia. Also called: THROMBASTHENIA OF GLANZMANN AND NAEGELI; BLEEDING DISORDER, PLATELET-TYPE, 2; Thrombasthenia; PLATELET GLYCOPROTEIN IIb-IIIa DEFICIENCY; Glanzmann's thrombasthenia. Identifiers: Orphanet 849, MedGen C0040015, MONDO:0100326.

Allele frequency attached by ClinVar (database versions not stated): gnomAD exomes below 0.00001; gnomAD 0.00001; TOPMed 0.00001.
gnomAD v4.1: 8 of 1,614,074 alleles (0.0005%); highest among the groups gnomAD compares: African/African-American, 0.004%; no homozygotes.

Submission:

ClinGen Platelet Disorders Variant Curation Expert Panel, ClinGen
Classification: Pathogenic for Glanzmann thrombasthenia. Last evaluated: 2021-09-03. Review status: reviewed by expert panel. Criteria: ClinGen Platelet ACMG Specifications v2. Collection method: curation. Allele origin: germline. Inheritance: Autosomal recessive inheritance.
Comment: The ITGB3 nonsense variant NM_000212.3:c.1288C>T (p.Arg430Ter) is expected to introduce an early termination codon and the resulting mRNA product is predicted to undergo nonsense mediated decay, leading to loss of normal protein function. This variant was observed in two compound heterozygote individuals presenting with phenotypes specific to GT (GT5 and GT6; PMID: 32237906). This variant occurs at an extremely low frequency in gnomAD (Overall allele frequency: 0.000003979) and is absent from other population databases. In summary, this variant meets criteria to be classified as pathogenic for GT. GT-specific criteria applied: PVS1, PM2_Supporting, PP4_Moderate